The following is an entry in ClinVar:

ClinVar aggregate classification (germline): Benign. Review status: criteria provided, multiple submitters, no conflicts (2 of 4 stars). 5 submissions from 5 submitters: Benign (5). Last evaluated 2026-02-04.

Conditions:
Cutis laxa with severe pulmonary, gastrointestinal and urinary anomalies. Also called: Cutis laxa, autosomal recessive, type IC; URBAN-RIFKIN-DAVIS SYNDROME; LTBP4-Related Cutis Laxa. Identifiers: Orphanet 221145, MedGen C2750804, MONDO:0013170, OMIM 613177. Disease mechanism: loss of function.

Allele frequency attached by ClinVar (database versions not stated): 1000 Genomes Project 0.04812; 1000 Genomes Project 30x 0.04872; TOPMed 0.06741; ESP Exome Variant Server 0.07480.
gnomAD v4.1: 137,555 of 1,613,452 alleles (8.5%); highest among the groups gnomAD compares: Middle Eastern, 12%; 6,407 homozygotes.

Submissions (5):

Labcorp Genetics (formerly Invitae), Labcorp
Classification: Benign. Last evaluated: 2026-02-04. Review status: criteria provided, single submitter. Criteria: Invitae Variant Classification Sherloc (09022015). Collection method: clinical testing. Allele origin: germline.

Illumina Laboratory Services, Illumina
Classification: Benign for Cutis laxa with severe pulmonary, gastrointestinal and urinary anomalies. Last evaluated: 2018-01-13. Review status: criteria provided, single submitter. Criteria: ICSL Variant Classification Criteria 13 December 2019. Collection method: clinical testing. Allele origin: germline.
Comment: This variant was observed in the ICSL laboratory as part of a predisposition screen in an ostensibly healthy population. It had not been previously curated by ICSL or reported in the Human Gene Mutation Database (HGMD: prior to June 1st, 2018), and was therefore a candidate for classification through an automated scoring system. Utilizing variant allele frequency, disease prevalence and penetrance estimates, and inheritance mode, an automated score was calculated to assess if this variant is too frequent to cause the disease. Based on the score and internal cut-off values, a variant classified as benign is not then subjected to further curation. The score for this variant resulted in a classification of benign for this disease.

GeneDx
Classification: Benign. Last evaluated: 2016-10-10. Review status: criteria provided, single submitter. Criteria: GeneDx Variant Classification (06012015). Collection method: clinical testing. Allele origin: germline. Affected: yes.
Comment: This variant is considered likely benign or benign based on one or more of the following criteria: it is a conservative change, it occurs at a poorly conserved position in the protein, it is predicted to be benign by multiple in silico algorithms, and/or has population frequency not consistent with disease.

Laboratory for Molecular Medicine, Mass General Brigham Personalized Medicine
Classification: Benign. Last evaluated: 2013-02-21. Review status: criteria provided, single submitter. Criteria: LMM Criteria. Collection method: clinical testing. Allele origin: germline. Observed: 16 variant alleles.
Comment: Asp922Asp in exon 21 of LTBP4: This variant is not expected to have clinical sig nificance because it does not alter an amino acid residue and is not located wit hin the splice consensus sequence. It has been identified in 10.0% (840/8402) of European American chromosomes from a broad population by the NHLBI Exome Sequen cing Project (dbSNP rs2077407).

Breakthrough Genomics
Classification: Benign. Review status: criteria provided, single submitter. Criteria: ACMG Guidelines, 2015. Collection method: not provided. Allele origin: germline. Inheritance: Autosomal recessive inheritance. Affected: yes.

NM_001042545.2(LTBP4):c.2565C>T (p.Asp855=)

Gene: LTBP4 (latent transforming growth factor beta binding protein 4; plus strand). Cytogenetic location: 19q13.2.
Variant type: single nucleotide variant.
Coding change: c.2565C>T on transcript NM_001042545.2 (MANE Select); coding-DNA position 2565, C replaced by T.
Protein change: p.Asp855=; no amino-acid change (aspartic acid 855 retained).
Molecular consequence: synonymous variant.
Genome position (GRCh38, 1-based): chr19:40,613,923, C>T. VCF-style: chr19-40613923-C-T. GRCh37 (hg19) VCF-style: chr19-41119829-C-T.
Other names: c.2766C>T, p.Asp922= (NM_001042544.1); c.2655C>T, p.Asp885= (NM_003573.2).
Identifiers: ClinVar variation 163947 (VCV000163947.16), dbSNP rs2077407, ClinGen allele CA176684.
Genomic context (GRCh38, chr19:40,613,923, plus strand): 5'-AATGTTAGGCGGAGCGGGAGGTGGGCCGGGCCTTCGGACGCCCTGTCCCGCAGACGTTGA[C>T]GAGTGCAGCGAGGAGGACCTTTGCCAGAGCGGCATCTGTACCAACACCGACGGCTCCTTC-3'
Protein context (NP_001036010.1, residues 845-865): GPRGASCLDV[Asp855=]ECSEEDLCQS